The following is an entry in ClinVar:

NM_000321.3(RB1):c.1264A>T (p.Ile422Leu)

Gene: RB1 (RB transcriptional corepressor 1; plus strand). Cytogenetic location: 13q14.2.
Variant type: single nucleotide variant.
Coding change: c.1264A>T on transcript NM_000321.3 (MANE Select); coding-DNA position 1264, A replaced by T.
Protein change: p.Ile422Leu; replaces isoleucine 422 with leucine.
Molecular consequence: missense variant.
Genome position (GRCh38, 1-based): chr13:48,376,966, A>T. VCF-style: chr13-48376966-A-T. GRCh37 (hg19) VCF-style: chr13-48951102-A-T.
Other names: c.1264A>T, p.Ile422Leu (NM_001407165.1, NM_001407166.1); short protein forms I422L.
Identifiers: ClinVar variation 4544004 (VCV004544004.1).
Genomic context (GRCh38, chr13:48,376,966, plus strand): 5'-TACCTCCTAAAGAACTGCACAGTGAATCCAAAAGAAAGTATACTGAAAAGAGTGAAGGAT[A>T]TAGGATACATCTTTAAAGAGAAATTTGCTAAAGCTGTGGGACAGGGTTGTGTCGAAATTG-3'
Protein context (NP_000312.2, residues 412-432): KESILKRVKD[Ile422Leu]GYIFKEKFAK

ClinVar aggregate classification (germline): Uncertain significance (1 of 4 stars; one submission).

Conditions:
Hereditary cancer-predisposing syndrome. Also called: Tumor predisposition; Hereditary Cancer Syndrome; Hereditary neoplastic syndrome; Neoplastic Syndromes, Hereditary. Identifiers: Orphanet 140162, MedGen C0027672, MeSH D009386, MONDO:0015356.

Submission:

Ambry Genetics
Classification: Uncertain significance for Hereditary cancer-predisposing syndrome. Last evaluated: 2025-10-17. Review status: criteria provided, single submitter. Criteria: Ambry Variant Classification Scheme 2023. Collection method: clinical testing. Allele origin: germline.
Comment: The p.I422L variant (also known as c.1264A>T), located in coding exon 13 of the RB1 gene, results from an A to T substitution at nucleotide position 1264. The isoleucine at codon 422 is replaced by leucine, an amino acid with highly similar properties. This amino acid position is conserved. In addition, this alteration is predicted to be tolerated by in silico analysis. Based on the available evidence, the clinical significance of this variant remains unclear.